The following is an entry in ClinVar:

ClinVar aggregate classification (germline): Uncertain significance. Review status: criteria provided, multiple submitters, no conflicts (2 of 4 stars). 2 submissions from 2 submitters: Uncertain significance (2). Last evaluated 2026-01-12.

Conditions:
BRAF-related disorder. Also called: BRAF-related condition.

Submissions (2):

PreventionGenetics, part of Exact Sciences
Classification: Uncertain significance for BRAF-related condition. Last evaluated: 2026-01-12. Review status: criteria provided, single submitter. Criteria: ACMG Guidelines, 2015. Collection method: clinical testing. Allele origin: germline.
Comment: The BRAF c.1084C>T variant is predicted to result in premature protein termination (p.Arg362*). To our knowledge, this variant has not been reported in the literature or in a large population database (gnomAD), indicating this variant is rare. At this time, the clinical significance of this variant is uncertain due to the absence of conclusive functional and genetic evidence.

Revvity Omics, Revvity
Classification: Uncertain significance. Last evaluated: 2021-06-17. Review status: criteria provided, single submitter. Criteria: ACMG Guidelines, 2015. Collection method: clinical testing. Allele origin: germline.

NM_004333.6(BRAF):c.1084C>T (p.Arg362Ter)

Genes: BRAF (B-Raf proto-oncogene, serine/threonine kinase; minus strand), LOC126860202 (BRD4-independent group 4 enhancer GRCh37_chr7:140493623-140494822; plus strand). Cytogenetic location: 7q34.
Variant type: single nucleotide variant.
Coding change: c.1084C>T on transcript NM_004333.6 (MANE Select); coding-DNA position 1084, C replaced by T.
Protein change: p.Arg362Ter; replaces arginine 362 with a stop codon.
Molecular consequence: nonsense.
Genome position (GRCh38, 1-based): chr7:140,794,364, G>A on the plus strand (C>T on the coding strand, the complement: BRAF is on the minus strand). VCF-style: chr7-140794364-G-A. GRCh37 (hg19) VCF-style: chr7-140494164-G-A.
Other names: c.1084C>T, p.Arg362Ter (NM_001354609.2, NM_001374244.1, NM_001374258.1 and 4 more transcripts); c.1093C>T, p.Arg365Ter (NM_001378467.1); c.982C>T, p.Arg328Ter (NM_001378470.1); c.928C>T, p.Arg310Ter (NM_001378472.1, NM_001378473.1); c.820C>T, p.Arg274Ter (NM_001378475.1); short protein forms R274*, R310*, R328*, R362*, R365*.
Identifiers: ClinVar variation 2439552 (VCV002439552.4), dbSNP rs397516885, ClinGen allele CA369589796.